The following is an entry in ClinVar:

ClinVar aggregate classification (germline): Conflicting classifications of pathogenicity. Review status: criteria provided, conflicting classifications (1 of 4 stars). 7 submissions from 7 submitters: Uncertain significance (1); Benign (3); Likely benign (2). 1 of the submissions does not count toward it. Last evaluated 2026-01-02.

Conditions:
Primary familial polycythemia due to EPO receptor mutation. Also called: ERYTHROCYTOSIS, SOMATIC; POLYCYTHEMIA, PRIMARY FAMILIAL AND CONGENITAL; Erythrocytosis, familial, 1; Primary Familial Congenital Polycythemia. Identifiers: Orphanet 90042, MedGen C4551637, MONDO:0007572, OMIM 133100.

Allele frequency attached by ClinVar (database versions not stated): ExAC 0.00117; 1000 Genomes Project 30x 0.00281; gnomAD exomes 0.00060 and 0.00100; ESP Exome Variant Server 0.00223; gnomAD 0.00247 and 0.00253; TOPMed 0.00284; 1000 Genomes Project 0.00300.

Submissions (7):

Labcorp Genetics (formerly Invitae), Labcorp
Classification: Benign. Last evaluated: 2026-01-02. Review status: criteria provided, single submitter. Criteria: Invitae Variant Classification Sherloc (09022015). Collection method: clinical testing. Allele origin: germline.

Genomic Medicine Center of Excellence, King Faisal Specialist Hospital and Research Centre
Classification: Likely benign. Last evaluated: 2025-08-18. Review status: criteria provided, single submitter. Criteria: ACMG Guidelines, 2015. Collection method: clinical testing. Allele origin: germline.

Mayo Clinic Laboratories, Mayo Clinic
Classification: Uncertain significance. Last evaluated: 2025-06-03. Review status: criteria provided, single submitter. Criteria: ACMG Guidelines, 2015. Collection method: clinical testing. Allele origin: germline. Observed: 1 variant allele.
Comment: BS2, BP4_moderate, PS3

Blueprint Genetics
Classification: Likely benign. Last evaluated: 2024-11-28. Review status: criteria provided, single submitter. Criteria: ACMG Guidelines, 2015. Collection method: clinical testing. Allele origin: germline.

Illumina Laboratory Services, Illumina
Classification: Benign for Primary familial polycythemia due to EPO receptor mutation. Last evaluated: 2018-01-12. Review status: criteria provided, single submitter. Criteria: ICSL Variant Classification Criteria 13 December 2019. Collection method: clinical testing. Allele origin: germline.
Comment: This variant was observed in the ICSL laboratory as part of a predisposition screen in an ostensibly healthy population. It had not been previously curated by ICSL or reported in the Human Gene Mutation Database (HGMD: prior to June 1st, 2018), and was therefore a candidate for classification through an automated scoring system. Utilizing variant allele frequency, disease prevalence and penetrance estimates, and inheritance mode, an automated score was calculated to assess if this variant is too frequent to cause the disease. Based on the score and internal cut-off values, a variant classified as benign is not then subjected to further curation. The score for this variant resulted in a classification of benign for this disease.

Breakthrough Genomics
Classification: Benign. Review status: criteria provided, single submitter. Criteria: ACMG Guidelines, 2015. Collection method: not provided. Allele origin: germline. Inheritance: Autosomal dominant inheritance. Affected: yes.

GeneReviews
No classification provided. Condition: Primary familial polycythemia due to EPO receptor mutation. Review status: no classification provided. Collection method: literature only. Allele origin: germline. Affected: yes. Not counted in ClinVar's aggregate classification.

Literature cited by the submitters: PubMed 23859443 (cited by Mayo Clinic Laboratories, Mayo Clinic); PubMed 24533580 (cited by Mayo Clinic Laboratories, Mayo Clinic); PubMed 26010769 (cited by Mayo Clinic Laboratories, Mayo Clinic and GeneReviews); PubMed 27982410 (cited by Mayo Clinic Laboratories, Mayo Clinic); PubMed 29269524 (cited by Mayo Clinic Laboratories, Mayo Clinic); PubMed 29790589 (cited by Mayo Clinic Laboratories, Mayo Clinic); PubMed 35960118 (cited by Mayo Clinic Laboratories, Mayo Clinic); PubMed 24115288 (cited by GeneReviews); NCBI Bookshelf NBK395975 (cited by GeneReviews).

NM_000121.4(EPOR):c.1310G>A (p.Arg437His)

Gene: EPOR (erythropoietin receptor; minus strand). Cytogenetic location: 19p13.2.
Variant type: single nucleotide variant.
Coding change: c.1310G>A on transcript NM_000121.4 (MANE Select); coding-DNA position 1310, G replaced by A.
Protein change: p.Arg437His; replaces arginine 437 with histidine.
Molecular consequence: missense variant. On other transcripts: non-coding transcript variant (1).
Genome position (GRCh38, 1-based): chr19:11,378,201, C>T on the plus strand (G>A on the coding strand, the complement: EPOR is on the minus strand). VCF-style: chr19-11378201-C-T. GRCh37 (hg19) VCF-style: chr19-11488877-C-T.
Other names: short protein forms R437H.
Identifiers: ClinVar variation 268129 (VCV000268129.16), dbSNP rs62638744, ClinGen allele CA9210532.